The following is an entry in ClinVar:

NM_001114753.3(ENG):c.1774G>A (p.Val592Met)

Gene: ENG (endoglin; minus strand). Cytogenetic location: 9q34.11.
Variant type: single nucleotide variant.
Coding change: c.1774G>A on transcript NM_001114753.3 (MANE Select); coding-DNA position 1774, G replaced by A.
Protein change: p.Val592Met; replaces valine 592 with methionine.
Molecular consequence: missense variant.
Genome position (GRCh38, 1-based): chr9:127,816,021, C>T on the plus strand (G>A on the coding strand, the complement: ENG is on the minus strand). VCF-style: chr9-127816021-C-T. GRCh37 (hg19) VCF-style: chr9-130578300-C-T.
Other names: c.1774G>A (NM_000118.2); c.1774G>A, p.Val592Met (NM_000118.4); c.1228G>A, p.Val410Met (NM_001278138.2); short protein forms V410M, V592M.
Identifiers: ClinVar variation 1001852 (VCV001001852.11), dbSNP rs756003321, ClinGen allele CA5252626.

ClinVar aggregate classification (germline): Uncertain significance. Review status: criteria provided, multiple submitters, no conflicts (2 of 4 stars). 2 submissions from 2 submitters: Uncertain significance (2). Last evaluated 2025-07-01.

Conditions:
Hereditary hemorrhagic telangiectasia (HHT). Also called: Osler hemorrhagic telangiectasia syndrome; ORW DISEASE; Osler Weber Rendu syndrome; OSLER-RENDU-WEBER DISEASE. Identifiers: Orphanet 774, MedGen C0039445, MONDO:0019180. Disease mechanism: loss of function.

Allele frequency attached by ClinVar (database versions not stated): TOPMed below 0.00001; ExAC 0.00001; gnomAD 0.00001; gnomAD exomes 0.00001 and 0.00002.
gnomAD v4.1: 13 of 1,610,758 alleles (0.00081%); highest among the groups gnomAD compares: South Asian, 0.0044%; no homozygotes.

Submissions (2):

GeneDx
Classification: Uncertain significance. Last evaluated: 2025-07-01. Review status: criteria provided, single submitter. Criteria: GeneDx Variant Classification Process June 2021. Collection method: clinical testing. Allele origin: germline. Affected: yes.
Comment: Not observed at significant frequency in large population cohorts (gnomAD); In silico analysis supports that this missense variant has a deleterious effect on protein structure/function; Has not been previously published as pathogenic or benign to our knowledge

Labcorp Genetics (formerly Invitae), Labcorp
Classification: Uncertain significance for Hereditary hemorrhagic telangiectasia. Last evaluated: 2024-02-17. Review status: criteria provided, single submitter. Criteria: Invitae Variant Classification Sherloc (09022015). Collection method: clinical testing. Allele origin: germline.
Comment: This sequence change replaces valine, which is neutral and non-polar, with methionine, which is neutral and non-polar, at codon 592 of the ENG protein (p.Val592Met). The frequency data for this variant in the population databases is considered unreliable, as metrics indicate poor data quality at this position in the gnomAD database. This variant has not been reported in the literature in individuals affected with ENG-related conditions. ClinVar contains an entry for this variant (Variation ID: 1001852). Advanced modeling of protein sequence and biophysical properties (such as structural, functional, and spatial information, amino acid conservation, physicochemical variation, residue mobility, and thermodynamic stability) performed at Invitae indicates that this missense variant is expected to disrupt ENG protein function with a positive predictive value of 80%. In summary, the available evidence is currently insufficient to determine the role of this variant in disease. Therefore, it has been classified as a Variant of Uncertain Significance.